The following is an entry in ClinVar:

ClinVar aggregate classification (germline): Uncertain significance (1 of 4 stars; one submission).

Conditions:
Schuurs-Hoeijmakers syndrome. Also called: PACS1-Related Neurodevelopmental Disorder. Identifiers: Orphanet 329224, MedGen C3554343, MONDO:0014006, OMIM 615009.

Submission:

Labcorp Genetics (formerly Invitae), Labcorp
Classification: Uncertain significance for Schuurs-Hoeijmakers syndrome. Last evaluated: 2023-11-24. Review status: criteria provided, single submitter. Criteria: Invitae Variant Classification Sherloc (09022015). Collection method: clinical testing. Allele origin: germline.
Comment: This sequence change replaces leucine, which is neutral and non-polar, with serine, which is neutral and polar, at codon 123 of the PACS1 protein (p.Leu123Ser). This variant is not present in population databases (gnomAD no frequency). This variant has not been reported in the literature in individuals affected with PACS1-related conditions. Advanced modeling of protein sequence and biophysical properties (such as structural, functional, and spatial information, amino acid conservation, physicochemical variation, residue mobility, and thermodynamic stability) performed at Invitae indicates that this missense variant is expected to disrupt PACS1 protein function with a positive predictive value of 80%. In summary, the available evidence is currently insufficient to determine the role of this variant in disease. Therefore, it has been classified as a Variant of Uncertain Significance.

NM_018026.4(PACS1):c.368T>C (p.Leu123Ser)

Gene: PACS1 (phosphofurin acidic cluster sorting protein 1; plus strand). Cytogenetic location: 11q13.2.
Variant type: single nucleotide variant.
Coding change: c.368T>C on transcript NM_018026.4 (MANE Select); coding-DNA position 368, T replaced by C.
Protein change: p.Leu123Ser; replaces leucine 123 with serine.
Molecular consequence: missense variant.
Genome position (GRCh38, 1-based): chr11:66,193,497, T>C. VCF-style: chr11-66193497-T-C. GRCh37 (hg19) VCF-style: chr11-65960968-T-C.
Other names: short protein forms L123S.
Identifiers: ClinVar variation 2698235 (VCV002698235.3), dbSNP rs2495502091, ClinGen allele CA381508418.